The following is an entry in ClinVar:

ClinVar aggregate classification (germline): Uncertain significance. Review status: criteria provided, multiple submitters, no conflicts (2 of 4 stars). 2 submissions from 2 submitters: Uncertain significance (2). Last evaluated 2023-07-21.

Allele frequency attached by ClinVar (database versions not stated): gnomAD exomes below 0.00001.
gnomAD v4.1: 1 of 1,612,392 alleles (0.000062%); highest among the groups gnomAD compares: Non-Finnish European, 0.000085%; no homozygotes.

Submissions (2):

Labcorp Genetics (formerly Invitae), Labcorp
Classification: Uncertain significance. Last evaluated: 2023-07-21. Review status: criteria provided, single submitter. Criteria: Invitae Variant Classification Sherloc (09022015). Collection method: clinical testing. Allele origin: germline.
Comment: Algorithms developed to predict the effect of sequence changes on RNA splicing suggest that this variant may disrupt the consensus splice site. This sequence change affects a donor splice site in intron 1 of the OPN1SW gene. It is expected to disrupt RNA splicing. Variants that disrupt the donor or acceptor splice site typically lead to a loss of protein function (PMID: 16199547), however the current clinical and genetic evidence is not sufficient to establish whether loss-of-function variants in OPN1SW cause disease. This variant is present in population databases (no rsID available, gnomAD 0.0009%). This variant has not been reported in the literature in individuals affected with OPN1SW-related conditions. In summary, the available evidence is currently insufficient to determine the role of this variant in disease. Therefore, it has been classified as a Variant of Uncertain Significance.

Blueprint Genetics
Classification: Uncertain significance. Last evaluated: 2022-02-01. Review status: criteria provided, single submitter. Criteria: ACMG Guidelines, 2015. Collection method: clinical testing. Allele origin: germline.

Literature cited by the submitters: PubMed 16199547 (cited by Labcorp Genetics (formerly Invitae), Labcorp).

NM_001385125.1(OPN1SW):c.343+1G>A

Gene: OPN1SW (opsin 1, short wave sensitive; minus strand). Cytogenetic location: 7q32.1.
Variant type: single nucleotide variant.
Coding change: c.343+1G>A on transcript NM_001385125.1 (MANE Select); the canonical splice donor site of the intron after coding-DNA position 343, G replaced by A.
Molecular consequence: splice donor variant.
Genome position (GRCh38, 1-based): chr7:128,775,438, C>T on the plus strand (G>A on the coding strand, the complement: OPN1SW is on the minus strand). VCF-style: chr7-128775438-C-T. GRCh37 (hg19) VCF-style: chr7-128415492-C-T.
Identifiers: ClinVar variation 2961992 (VCV002961992.4), dbSNP rs1227718362, ClinGen allele CA369221105.